The following is an entry in ClinVar:

ClinVar aggregate classification (germline): Uncertain significance (1 of 4 stars; one submission).

Submission:

Labcorp Genetics (formerly Invitae), Labcorp
Classification: Uncertain significance. Last evaluated: 2022-01-07. Review status: criteria provided, single submitter. Criteria: Invitae Variant Classification Sherloc (09022015). Collection method: clinical testing. Allele origin: germline.
Comment: In summary, the available evidence is currently insufficient to determine the role of this variant in disease. Therefore, it has been classified as a Variant of Uncertain Significance. Advanced modeling of protein sequence and biophysical properties (such as structural, functional, and spatial information, amino acid conservation, physicochemical variation, residue mobility, and thermodynamic stability) performed at Invitae indicates that this missense variant is expected to disrupt PNPT1 protein function. This variant has not been reported in the literature in individuals affected with PNPT1-related conditions. This variant is not present in population databases (gnomAD no frequency). This sequence change replaces methionine, which is neutral and non-polar, with threonine, which is neutral and polar, at codon 209 of the PNPT1 protein (p.Met209Thr).

NM_033109.5(PNPT1):c.626T>C (p.Met209Thr)

Gene: PNPT1 (polyribonucleotide nucleotidyltransferase 1; minus strand). Cytogenetic location: 2p16.1.
Variant type: single nucleotide variant.
Coding change: c.626T>C on transcript NM_033109.5 (MANE Select); coding-DNA position 626, T replaced by C.
Protein change: p.Met209Thr; replaces methionine 209 with threonine.
Molecular consequence: missense variant.
Genome position (GRCh38, 1-based): chr2:55,679,735, A>G on the plus strand (T>C on the coding strand, the complement: PNPT1 is on the minus strand). VCF-style: chr2-55679735-A-G. GRCh37 (hg19) VCF-style: chr2-55906870-A-G.
Other names: short protein forms M209T.
Identifiers: ClinVar variation 1421952 (VCV001421952.6), dbSNP rs2104152815, ClinGen allele CA346937408.
Genomic context (GRCh38, chr2:55,679,735, plus strand): 5'-AACTTACCAATCTGACTTTTAGGTGCTCCAGCAACCACTAAATTTAAAGTACTAGAAGAC[A>G]TTTCTTTTCTTGTTGGGTTAACAACATATTCTCCATCAATTATTCCTATTCGTACTGCCC-3'
Protein context (NP_149100.2, residues 199-219): EYVVNPTRKE[Met209Thr]SSSTLNLVVA